The following is an entry in ClinVar:

NM_000171.4(GLRA1):c.845G>T (p.Gly282Val)

Gene: GLRA1 (glycine receptor alpha 1; minus strand). Cytogenetic location: 5q33.1.
Variant type: single nucleotide variant.
Coding change: c.845G>T on transcript NM_000171.4 (MANE Select); coding-DNA position 845, G replaced by T.
Protein change: p.Gly282Val; replaces glycine 282 with valine.
Molecular consequence: missense variant.
Genome position (GRCh38, 1-based): chr5:151,851,457, C>A on the plus strand (G>T on the coding strand, the complement: GLRA1 is on the minus strand). VCF-style: chr5-151851457-C-A. GRCh37 (hg19) VCF-style: chr5-151231018-C-A.
Other names: c.845G>T, p.Gly282Val (NM_001146040.2); c.596G>T, p.Gly199Val (NM_001292000.2); short protein forms G199V, G282V.
Identifiers: ClinVar variation 1349936 (VCV001349936.8), dbSNP rs1581616673, ClinGen allele CA361837547.

ClinVar aggregate classification (germline): Uncertain significance (1 of 4 stars; one submission).

Conditions:
Hereditary hyperekplexia. Identifiers: Orphanet 3197, MedGen C4084968, MONDO:0021022.

Submission:

Labcorp Genetics (formerly Invitae), Labcorp
Classification: Uncertain significance for Hereditary hyperekplexia. Last evaluated: 2025-07-08. Review status: criteria provided, single submitter. Criteria: Invitae Variant Classification Sherloc (09022015). Collection method: clinical testing. Allele origin: germline.
Comment: This sequence change replaces glycine, which is neutral and non-polar, with valine, which is neutral and non-polar, at codon 282 of the GLRA1 protein (p.Gly282Val). This variant is not present in population databases (gnomAD no frequency). This variant has not been reported in the literature in individuals affected with GLRA1-related conditions. ClinVar contains an entry for this variant (Variation ID: 1349936). Invitae Evidence Modeling of protein sequence and biophysical properties (such as structural, functional, and spatial information, amino acid conservation, physicochemical variation, residue mobility, and thermodynamic stability) indicates that this missense variant is not expected to disrupt GLRA1 protein function with a negative predictive value of 80%. In summary, the available evidence is currently insufficient to determine the role of this variant in disease. Therefore, it has been classified as a Variant of Uncertain Significance.